The following is an entry in ClinVar:

ClinVar aggregate classification (germline): Uncertain significance. Review status: criteria provided, multiple submitters, no conflicts (2 of 4 stars). 2 submissions from 2 submitters: Uncertain significance (2). Last evaluated 2025-04-06.

Conditions:
Catecholaminergic polymorphic ventricular tachycardia 1. Also called: VENTRICULAR TACHYCARDIA, CATECHOLAMINERGIC POLYMORPHIC, 1, WITH OR WITHOUT ATRIAL DYSFUNCTION AND/OR DILATED CARDIOMYOPATHY; VENTRICULAR TACHYCARDIA, STRESS-INDUCED POLYMORPHIC 1; RYR2-Related Catecholaminergic Polymorphic Ventricular Tachycardia. Identifiers: Orphanet 3286, MedGen C1631597, MONDO:0011484, OMIM 604772.
Cardiovascular phenotype. Identifiers: MedGen CN230736.

Allele frequency attached by ClinVar (database versions not stated): gnomAD exomes below 0.00001.
gnomAD v4.1: 1 of 1,613,768 alleles (0.000062%); highest among the groups gnomAD compares: Admixed American, 0.0017%; no homozygotes.

Submissions (2):

Ambry Genetics
Classification: Uncertain significance for Cardiovascular phenotype. Last evaluated: 2025-04-06. Review status: criteria provided, single submitter. Criteria: Ambry Variant Classification Scheme 2023. Collection method: clinical testing. Allele origin: germline.
Comment: The p.E4372K variant (also known as c.13114G>A), located in coding exon 90 of the RYR2 gene, results from a G to A substitution at nucleotide position 13114. The glutamic acid at codon 4372 is replaced by lysine, an amino acid with similar properties. This amino acid position is well conserved in available vertebrate species. In addition, the in silico prediction for this alteration is inconclusive. Based on the available evidence, the clinical significance of this variant remains unclear.

Labcorp Genetics (formerly Invitae), Labcorp
Classification: Uncertain significance for Catecholaminergic polymorphic ventricular tachycardia 1. Last evaluated: 2018-09-14. Review status: criteria provided, single submitter. Criteria: Invitae Variant Classification Sherloc (09022015). Collection method: clinical testing. Allele origin: germline.
Comment: This sequence change replaces glutamic acid with lysine at codon 4372 of the RYR2 protein (p.Glu4372Lys). The glutamic acid residue is highly conserved and there is a small physicochemical difference between glutamic acid and lysine. This variant is not present in population databases (ExAC no frequency). This variant has not been reported in the literature in individuals with RYR2-related disease. Algorithms developed to predict the effect of missense changes on protein structure and function (SIFT, PolyPhen-2, Align-GVGD) all suggest that this variant is likely to be disruptive, but these predictions have not been confirmed by published functional studies and their clinical significance is uncertain. In summary, the available evidence is currently insufficient to determine the role of this variant in disease. Therefore, it has been classified as a Variant of Uncertain Significance.

NM_001035.3(RYR2):c.13114G>A (p.Glu4372Lys)

Genes: RYR2 (ryanodine receptor 2; plus strand), LOC126806068 (BRD4-independent group 4 enhancer GRCh37_chr1:237947411-237948610; plus strand). Cytogenetic location: 1q43.
Variant type: single nucleotide variant.
Coding change: c.13114G>A on transcript NM_001035.3 (MANE Select); coding-DNA position 13114, G replaced by A.
Protein change: p.Glu4372Lys; replaces glutamic acid 4372 with lysine.
Molecular consequence: missense variant.
Genome position (GRCh38, 1-based): chr1:237,784,826, G>A. VCF-style: chr1-237784826-G-A. GRCh37 (hg19) VCF-style: chr1-237948126-G-A.
Other names: c.13114G>A, p.Glu4372Lys (LRG_402t1); short protein forms E4372K.
Identifiers: ClinVar variation 663162 (VCV000663162.10), dbSNP rs1294591565, ClinGen allele CA345415335.